The following is an entry in ClinVar:

NM_198271.5(LMOD3):c.667C>G (p.Leu223Val)

Gene: LMOD3 (leiomodin 3; minus strand). Cytogenetic location: 3p14.1.
Variant type: single nucleotide variant.
Coding change: c.667C>G on transcript NM_198271.5 (MANE Select); coding-DNA position 667, C replaced by G.
Protein change: p.Leu223Val; replaces leucine 223 with valine.
Molecular consequence: missense variant.
Genome position (GRCh38, 1-based): chr3:69,119,688, G>C on the plus strand (C>G on the coding strand, the complement: LMOD3 is on the minus strand). VCF-style: chr3-69119688-G-C. GRCh37 (hg19) VCF-style: chr3-69168839-G-C.
Other names: c.667C>G, p.Leu223Val (NM_001304418.3); short protein forms L223V.
Identifiers: ClinVar variation 836274 (VCV000836274.5), dbSNP rs2092397307, ClinGen allele CA353475360.

ClinVar aggregate classification (germline): Uncertain significance (1 of 4 stars; one submission).

Conditions:
Nemaline myopathy 10 (NEM10). Identifiers: MedGen C4015360, MONDO:0014513, OMIM 616165.

Submission:

Labcorp Genetics (formerly Invitae), Labcorp
Classification: Uncertain significance for Nemaline myopathy 10. Last evaluated: 2022-01-15. Review status: criteria provided, single submitter. Criteria: Invitae Variant Classification Sherloc (09022015). Collection method: clinical testing. Allele origin: germline.
Comment: This sequence change replaces leucine, which is neutral and non-polar, with valine, which is neutral and non-polar, at codon 223 of the LMOD3 protein (p.Leu223Val). This variant is not present in population databases (gnomAD no frequency). This variant has not been reported in the literature in individuals affected with LMOD3-related conditions. ClinVar contains an entry for this variant (Variation ID: 836274). Algorithms developed to predict the effect of missense changes on protein structure and function are either unavailable or do not agree on the potential impact of this missense change (SIFT: "Tolerated"; PolyPhen-2: "Possibly Damaging"; Align-GVGD: "Class C0"). In summary, the available evidence is currently insufficient to determine the role of this variant in disease. Therefore, it has been classified as a Variant of Uncertain Significance.